The following is an entry in ClinVar:

ClinVar aggregate classification (germline): Uncertain significance (1 of 4 stars; one submission).

Conditions:
DNMT3A-related disorder. Also called: DNMT3A-related condition; DNMT3A-related disorders.

Submission:

PreventionGenetics, part of Exact Sciences
Classification: Uncertain significance for DNMT3A-related condition. Last evaluated: 2026-05-14. Review status: criteria provided, single submitter. Criteria: ACMG Guidelines, 2015. Collection method: clinical testing. Allele origin: germline.
Comment: The DNMT3A c.2619C>G variant is predicted to result in the amino acid substitution p.His873Gln. To our knowledge, this variant has not been reported in the literature or in a large population database (gnomAD), indicating this variant is rare. At this time, the clinical significance of this variant is uncertain due to the absence of conclusive functional and genetic evidence.

NM_022552.5(DNMT3A):c.2619C>G (p.His873Gln)

Gene: DNMT3A (DNA methyltransferase 3 alpha; minus strand). Cytogenetic location: 2p23.3.
Variant type: single nucleotide variant.
Coding change: c.2619C>G on transcript NM_022552.5 (MANE Select); coding-DNA position 2619, C replaced by G.
Protein change: p.His873Gln; replaces histidine 873 with glutamine.
Molecular consequence: missense variant. On other transcripts: non-coding transcript variant (1).
Genome position (GRCh38, 1-based): chr2:25,234,399, G>C on the plus strand (C>G on the coding strand, the complement: DNMT3A is on the minus strand). VCF-style: chr2-25234399-G-C. GRCh37 (hg19) VCF-style: chr2-25457268-G-C.
Other names: c.2163C>G, p.His721Gln (NM_001320893.1); c.1950C>G, p.His650Gln (NM_001375819.1); c.2052C>G, p.His684Gln (NM_153759.3); c.2619C>G, p.His873Gln (NM_175629.2); short protein forms H721Q, H873Q, H684Q, H650Q.
Identifiers: ClinVar variation 4993338 (VCV004993338.1).